The following is an entry in ClinVar:

ClinVar aggregate classification (germline): Uncertain significance. Review status: criteria provided, multiple submitters, no conflicts (2 of 4 stars). 2 submissions from 2 submitters: Uncertain significance (2). Last evaluated 2024-10-31.

gnomAD v4.1: 1 of 1,613,696 alleles (0.000062%); highest among the groups gnomAD compares: Non-Finnish European, 0.000085%; no homozygotes.

Submissions (2):

Labcorp Genetics (formerly Invitae), Labcorp
Classification: Uncertain significance. Last evaluated: 2024-10-31. Review status: criteria provided, single submitter. Criteria: Invitae Variant Classification Sherloc (09022015). Collection method: clinical testing. Allele origin: germline.
Comment: This sequence change falls in intron 39 of the MTOR gene. It does not directly change the encoded amino acid sequence of the MTOR protein. This variant is not present in population databases (gnomAD no frequency). This variant has not been reported in the literature in individuals affected with MTOR-related conditions. ClinVar contains an entry for this variant (Variation ID: 1810725). Algorithms developed to predict the effect of sequence changes on RNA splicing suggest that this variant may create or strengthen a splice site. In summary, the available evidence is currently insufficient to determine the role of this variant in disease. Therefore, it has been classified as a Variant of Uncertain Significance.

GeneDx
Classification: Uncertain significance. Last evaluated: 2022-07-08. Review status: criteria provided, single submitter. Criteria: GeneDx Variant Classification Process June 2021. Collection method: clinical testing. Allele origin: germline. Affected: yes.
Comment: Not observed at significant frequency in large population cohorts (gnomAD); In silico analysis supports a deleterious effect on splicing; Has not been previously published as pathogenic or benign to our knowledge

NM_004958.4(MTOR):c.5614-4A>C

Gene: MTOR (mechanistic target of rapamycin kinase; minus strand). Cytogenetic location: 1p36.22.
Variant type: single nucleotide variant.
Coding change: c.5614-4A>C on transcript NM_004958.4 (MANE Select); 4 bases into the intron before coding-DNA position 5614, A replaced by C.
Molecular consequence: intron variant.
Genome position (GRCh38, 1-based): chr1:11,129,842, T>G on the plus strand (A>C on the coding strand, the complement: MTOR is on the minus strand). VCF-style: chr1-11129842-T-G. GRCh37 (hg19) VCF-style: chr1-11189899-T-G.
Other names: c.4366-4A>C (NM_001386501.1); c.5614-4A>C (NM_001386500.1).
Identifiers: ClinVar variation 1810725 (VCV001810725.4), dbSNP rs2100424585, ClinGen allele CA2574211541.